The following is an entry in ClinVar:

ClinVar aggregate classification (germline): Likely benign (1 of 4 stars; one submission).

Allele frequency attached by ClinVar (database versions not stated): gnomAD exomes below 0.00001.
gnomAD v4.1: 2 of 1,605,074 alleles (0.00012%); highest among the groups gnomAD compares: South Asian, 0.0022%; no homozygotes.

Submission:

GeneDx
Classification: Likely benign. Last evaluated: 2018-02-23. Review status: criteria provided, single submitter. Criteria: GeneDx Variant Classification (06012015). Collection method: clinical testing. Allele origin: germline. Affected: yes.
Comment: This variant is considered likely benign or benign based on one or more of the following criteria: it is a conservative change, it occurs at a poorly conserved position in the protein, it is predicted to be benign by multiple in silico algorithms, and/or has population frequency not consistent with disease.

NM_001127222.2(CACNA1A):c.2356T>C (p.Leu786=)

Gene: CACNA1A (calcium voltage-gated channel subunit alpha1 A; minus strand). Cytogenetic location: 19p13.13.
Variant type: single nucleotide variant.
Coding change: c.2356T>C on transcript NM_001127222.2 (MANE Select); coding-DNA position 2356, T replaced by C.
Protein change: p.Leu786=; no amino-acid change (leucine 786 retained).
Molecular consequence: synonymous variant.
Genome position (GRCh38, 1-based): chr19:13,299,277, A>G on the plus strand (T>C on the coding strand, the complement: CACNA1A is on the minus strand). VCF-style: chr19-13299277-A-G. GRCh37 (hg19) VCF-style: chr19-13410091-A-G.
Other names: c.2368T>C, p.Leu790= (NM_000068.4, NM_023035.3); c.2359T>C, p.Leu787= (NM_001127221.2, NM_001174080.2).
Identifiers: ClinVar variation 515698 (VCV000515698.1), dbSNP rs1555756445, ClinGen allele CA505785376.